The following is an entry in ClinVar:

ClinVar aggregate classification (germline): Uncertain significance (1 of 4 stars; one submission).

Conditions:
Schimke immuno-osseous dysplasia (SIOD). Also called: Schimke Immunoosseous Dysplasia. Identifiers: Orphanet 1830, MedGen C0877024, MONDO:0009458, OMIM 242900.

Submission:

Labcorp Genetics (formerly Invitae), Labcorp
Classification: Uncertain significance for Schimke immuno-osseous dysplasia. Last evaluated: 2022-10-24. Review status: criteria provided, single submitter. Criteria: Invitae Variant Classification Sherloc (09022015). Collection method: clinical testing. Allele origin: germline.
Comment: This sequence change replaces proline, which is neutral and non-polar, with alanine, which is neutral and non-polar, at codon 935 of the SMARCAL1 protein (p.Pro935Ala). This variant is not present in population databases (gnomAD no frequency). This variant has not been reported in the literature in individuals affected with SMARCAL1-related conditions. Advanced modeling of protein sequence and biophysical properties (such as structural, functional, and spatial information, amino acid conservation, physicochemical variation, residue mobility, and thermodynamic stability) performed at Invitae indicates that this missense variant is not expected to disrupt SMARCAL1 protein function. In summary, the available evidence is currently insufficient to determine the role of this variant in disease. Therefore, it has been classified as a Variant of Uncertain Significance.

NM_014140.4(SMARCAL1):c.2803C>G (p.Pro935Ala)

Gene: SMARCAL1 (SNF2 related chromatin remodeling annealing helicase 1; plus strand). Cytogenetic location: 2q35.
Variant type: single nucleotide variant.
Coding change: c.2803C>G on transcript NM_014140.4 (MANE Select); coding-DNA position 2803, C replaced by G.
Protein change: p.Pro935Ala; replaces proline 935 with alanine.
Molecular consequence: missense variant.
Genome position (GRCh38, 1-based): chr2:216,482,915, C>G. VCF-style: chr2-216482915-C-G. GRCh37 (hg19) VCF-style: chr2-217347638-C-G.
Other names: c.2803C>G, p.Pro935Ala (NM_001127207.2); short protein forms P935A.
Identifiers: ClinVar variation 1997568 (VCV001997568.1), dbSNP rs2469057758, ClinGen allele CA350505514.